The following is an entry in ClinVar:

ClinVar aggregate classification (germline): Uncertain significance (1 of 4 stars; one submission).

Conditions:
Peroxisome biogenesis disorder 7A (Zellweger). Also called: Peroxisome biogenesis disorder 7A. Identifiers: Orphanet 912, MedGen C3888385, MONDO:0013938, OMIM 614872.
Peroxisome biogenesis disorder 7B (PBD7B). Identifiers: Orphanet 44, MedGen C3553951, MONDO:0013939, OMIM 614873.

Allele frequency attached by ClinVar (database versions not stated): gnomAD 0.00001; TOPMed 0.00001.

Submission:

Labcorp Genetics (formerly Invitae), Labcorp
Classification: Uncertain significance for Peroxisome biogenesis disorder 7A (Zellweger); Peroxisome biogenesis disorder 7B. Last evaluated: 2025-03-17. Review status: criteria provided, single submitter. Criteria: Invitae Variant Classification Sherloc (09022015). Collection method: clinical testing. Allele origin: germline.
Comment: This sequence change falls in intron 3 of the PEX26 gene. It does not directly change the encoded amino acid sequence of the PEX26 protein. This variant is not present in population databases (gnomAD no frequency). This variant has not been reported in the literature in individuals affected with PEX26-related conditions. ClinVar contains an entry for this variant (Variation ID: 1479697). Algorithms developed to predict the effect of sequence changes on RNA splicing suggest that this variant may disrupt the consensus splice site. In summary, the available evidence is currently insufficient to determine the role of this variant in disease. Therefore, it has been classified as a Variant of Uncertain Significance.

NM_001127649.3(PEX26):c.372-9G>T

Gene: PEX26 (peroxisomal biogenesis factor 26; plus strand). Cytogenetic location: 22q11.21.
Variant type: single nucleotide variant.
Coding change: c.372-9G>T on transcript NM_001127649.3 (MANE Select); 9 bases into the intron before coding-DNA position 372, G replaced by T.
Molecular consequence: intron variant.
Genome position (GRCh38, 1-based): chr22:18,083,428, G>T. VCF-style: chr22-18083428-G-T. GRCh37 (hg19) VCF-style: chr22-18566194-G-T.
Other names: c.372-9G>T (NM_017929.6, NM_001199319.2).
Identifiers: ClinVar variation 1479697 (VCV001479697.8), dbSNP rs1926701070, ClinGen allele CA1024002921.